The following is an entry in ClinVar:

NM_000824.5(GLRB):c.697A>G (p.Ile233Val)

Gene: GLRB (glycine receptor beta; plus strand). Cytogenetic location: 4q32.1.
Variant type: single nucleotide variant.
Coding change: c.697A>G on transcript NM_000824.5 (MANE Select); coding-DNA position 697, A replaced by G.
Protein change: p.Ile233Val; replaces isoleucine 233 with valine.
Molecular consequence: missense variant.
Genome position (GRCh38, 1-based): chr4:157,138,895, A>G. VCF-style: chr4-157138895-A-G. GRCh37 (hg19) VCF-style: chr4-158060047-A-G.
Other names: c.697A>G, p.Ile233Val (NM_001166060.2, NM_001166061.2); short protein forms I233V.
Identifiers: ClinVar variation 1946737 (VCV001946737.3), dbSNP rs2530068902, ClinGen allele CA358643617.
Genomic context (GRCh38, chr4:157,138,895, plus strand): 5'-TTTATCTGGCAGTCAGGAGATCCTGTGCAATTAGAAAAAATTGCCTTGCCTCAATTTGAT[A>G]TCAAAAAGGAAGATATTGAATATGGTAACTGTACAAAATACTATAAAGGCACGGGTAAGT-3'
Protein context (NP_000815.1, residues 223-243): LEKIALPQFD[Ile233Val]KKEDIEYGNC

ClinVar aggregate classification (germline): Uncertain significance (1 of 4 stars; one submission).

Conditions:
Hyperekplexia 2 (HKPX2). Identifiers: Orphanet 3197, MedGen C3553291, MONDO:0013828, OMIM 614619.

Submission:

Labcorp Genetics (formerly Invitae), Labcorp
Classification: Uncertain significance for Hyperekplexia 2. Last evaluated: 2022-07-02. Review status: criteria provided, single submitter. Criteria: Invitae Variant Classification Sherloc (09022015). Collection method: clinical testing. Allele origin: germline.
Comment: This variant has not been reported in the literature in individuals affected with GLRB-related conditions. This variant is not present in population databases (gnomAD no frequency). This sequence change replaces isoleucine, which is neutral and non-polar, with valine, which is neutral and non-polar, at codon 233 of the GLRB protein (p.Ile233Val). In summary, the available evidence is currently insufficient to determine the role of this variant in disease. Therefore, it has been classified as a Variant of Uncertain Significance. Advanced modeling of protein sequence and biophysical properties (such as structural, functional, and spatial information, amino acid conservation, physicochemical variation, residue mobility, and thermodynamic stability) performed at Invitae indicates that this missense variant is not expected to disrupt GLRB protein function.